The following is an entry in ClinVar:

ClinVar aggregate classification (germline): Benign. Review status: criteria provided, multiple submitters, no conflicts (2 of 4 stars). 9 submissions from 9 submitters: Benign (9). Last evaluated 2026-02-04.

Conditions:
STING-associated vasculopathy with onset in infancy. Also called: Sting-associated vasculopathy, infantile-onset. Identifiers: Orphanet 425120, MedGen C4014722, MONDO:0014405, OMIM 615934.

Allele frequency attached by ClinVar (database versions not stated): ESP Exome Variant Server 0.87006; gnomAD 0.87015 and 0.87159; TOPMed 0.87100; 1000 Genomes Project 30x 0.87211; 1000 Genomes Project 0.87280; gnomAD exomes 0.87569; ExAC 0.87599.
gnomAD v4.1: 1,409,461 of 1,613,916 alleles (87%); highest among the groups gnomAD compares: South Asian, 91%; 615,846 homozygotes.

Submissions (9):

Labcorp Genetics (formerly Invitae), Labcorp
Classification: Benign for STING-associated vasculopathy with onset in infancy. Last evaluated: 2026-02-04. Review status: criteria provided, single submitter. Criteria: Invitae Variant Classification Sherloc (09022015). Collection method: clinical testing. Allele origin: germline.

Women's Health and Genetics/Laboratory Corporation of America, LabCorp
Classification: Benign. Last evaluated: 2026-01-21. Review status: criteria provided, single submitter. Criteria: LabCorp Variant Classification Summary - May 2015. Collection method: clinical testing. Allele origin: germline.

Blueprint Genetics
Classification: Benign. Last evaluated: 2024-11-26. Review status: criteria provided, single submitter. Criteria: ACMG Guidelines, 2015. Collection method: clinical testing. Allele origin: germline.

Unidad de Genómica Garrahan, Hospital de Pediatría Garrahan
Classification: Benign. Last evaluated: 2023-11-14. Review status: criteria provided, single submitter. Criteria: ACMG Guidelines, 2015. Collection method: clinical testing. Allele origin: germline. Affected: no. Observed: 95 variant alleles.
Comment: This variant is classified as Benign based on local population frequency. This variant was detected in 99% of patients studied by a panel of primary immunodeficiencies. Number of patients: 95. Only high quality variants are reported.

Mayo Clinic Laboratories, Mayo Clinic
Classification: Benign. Last evaluated: 2023-08-11. Review status: criteria provided, single submitter. Criteria: ACMG Guidelines, 2015. Collection method: clinical testing. Allele origin: germline. Observed: 457 variant alleles.
Comment: BA1, BS2, BP4

Genome-Nilou Lab
Classification: Benign for STING-associated vasculopathy with onset in infancy. Last evaluated: 2021-09-10. Review status: criteria provided, single submitter. Criteria: ACMG Guidelines, 2015. Collection method: clinical testing. Allele origin: germline. Affected: no.

GeneDx
Classification: Benign. Last evaluated: 2021-05-05. Review status: criteria provided, single submitter. Criteria: GeneDx Variant Classification Process June 2021. Collection method: clinical testing. Allele origin: germline. Affected: yes.
Comment: This variant is associated with the following publications: (PMID: 23707065, 24204993, 33154747, 31866997)

Mendelics
Classification: Benign for STING-associated vasculopathy with onset in infancy. Last evaluated: 2019-05-28. Review status: criteria provided, single submitter. Criteria: Mendelics Assertion Criteria 2017. Collection method: clinical testing. Allele origin: unknown.

Laboratory for Molecular Medicine, Mass General Brigham Personalized Medicine
Classification: Benign. Last evaluated: 2016-03-29. Review status: criteria provided, single submitter. Criteria: LMM Criteria. Collection method: clinical testing. Allele origin: germline.
Comment: Variant identified in a genome or exome case(s) and assessed due to predicted null impact of the variant or pathogenic assertions in the literature or databases. Disclaimer: This variant has not undergone full assessment. The following are preliminary notes: Frequency

Literature cited by the submitters: PubMed 24204993 (cited by Mayo Clinic Laboratories, Mayo Clinic); PubMed 31866997 (cited by Mayo Clinic Laboratories, Mayo Clinic); PubMed 33154747 (cited by Mayo Clinic Laboratories, Mayo Clinic).

NM_198282.4(STING1):c.695A>G (p.His232Arg)

Gene: STING1 (stimulator of interferon response cGAMP interactor 1; minus strand). Cytogenetic location: 5q31.2.
Variant type: single nucleotide variant.
Coding change: c.695A>G on transcript NM_198282.4 (MANE Select); coding-DNA position 695, A replaced by G.
Protein change: p.His232Arg; replaces histidine 232 with arginine.
Molecular consequence: missense variant.
Genome position (GRCh38, 1-based): chr5:139,478,334, T>C on the plus strand (A>G on the coding strand, the complement: STING1 is on the minus strand). VCF-style: chr5-139478334-T-C. GRCh37 (hg19) VCF-style: chr5-138857919-T-C.
Other names: c.695A>G, p.His232Arg (NM_001301738.2); c.338A>G, p.His113Arg (NM_001367258.1); short protein forms H232R, H113R.
Identifiers: ClinVar variation 403550 (VCV000403550.24), dbSNP rs1131769, ClinGen allele CA3435341.